The following is an entry in ClinVar:

ClinVar aggregate classification (germline): Pathogenic (1 of 4 stars; one submission).

Conditions:
Inborn genetic diseases. Identifiers: MedGen C0950123, MeSH D030342.

Allele frequency attached by ClinVar (database versions not stated): gnomAD exomes 0.00001.
gnomAD v4.1: 11 of 1,607,262 alleles (0.00068%); highest among the groups gnomAD compares: East Asian, 0.0022%; no homozygotes.

Submission:

Ambry Genetics
Classification: Pathogenic for Inborn genetic diseases. Last evaluated: 2026-03-18. Review status: criteria provided, single submitter. Criteria: Ambry Variant Classification Scheme 2023. Collection method: clinical testing. Allele origin: germline.
Comment: The c.2950C>T (p.R984*) alteration, located in exon 20 (coding exon 20) of the KDM5B gene, consists of a C to T substitution at nucleotide position 2950. This changes the amino acid from an arginine (R) to a stop codon at amino acid position 984. This alteration is expected to result in loss of function by premature protein truncation or nonsense-mediated mRNA decay. Based on data from the Genome Aggregation Database (gnomAD) database, the KDM5B c.2950C>T alteration was observed in 0.0008% (2/249,504) of total alleles studied. Based on the available evidence, this alteration is classified as pathogenic.

NM_006618.5(KDM5B):c.2950C>T (p.Arg984Ter)

Gene: KDM5B (lysine demethylase 5B; minus strand). Cytogenetic location: 1q32.1.
Variant type: single nucleotide variant.
Coding change: c.2950C>T on transcript NM_006618.5 (MANE Select); coding-DNA position 2950, C replaced by T.
Protein change: p.Arg984Ter; replaces arginine 984 with a stop codon.
Molecular consequence: nonsense.
Genome position (GRCh38, 1-based): chr1:202,740,808, G>A on the plus strand (C>T on the coding strand, the complement: KDM5B is on the minus strand). VCF-style: chr1-202740808-G-A. GRCh37 (hg19) VCF-style: chr1-202709936-G-A.
Other names: c.3058C>T, p.Arg1020Ter (NM_001314042.2); c.2815C>T, p.Arg939Ter (NM_001347591.2); c.2935C>T, p.Arg979Ter (NM_001399817.1); short protein forms R1020*, R939*, R979*, R984*.
Identifiers: ClinVar variation 2395103 (VCV002395103.4), dbSNP rs1410041361, ClinGen allele CA344264376.
Genomic context (GRCh38, chr1:202,740,808, plus strand): 5'-GATATGCAGGGATCTCTTCGATTTCCTTTACTGCCGTAGCAAGGCTATTCAATGAATGTC[G>A]TGGCCTACAAAATGCAAACAAAGACTTCTTAGCATTTTATATGATGGTTCATTTTTCTTA-3'